The following is an entry in ClinVar:

ClinVar aggregate classification (germline): Uncertain significance (1 of 4 stars; one submission).

Conditions:
Primary ciliary dyskinesia. Also called: Ciliary dyskinesia. Identifiers: Orphanet 244, MedGen C0008780, MONDO:0016575, HP:0012265.

Submission:

Labcorp Genetics (formerly Invitae), Labcorp
Classification: Uncertain significance for Primary ciliary dyskinesia. Last evaluated: 2025-08-29. Review status: criteria provided, single submitter. Criteria: Invitae Variant Classification Sherloc (09022015). Collection method: clinical testing. Allele origin: germline.
Comment: This sequence change replaces glutamine, which is neutral and polar, with histidine, which is basic and polar, at codon 370 of the CCDC114 protein (p.Gln370His). This variant is not present in population databases (gnomAD no frequency). This variant has not been reported in the literature in individuals affected with CCDC114-related conditions. An algorithm developed to predict the effect of missense changes on protein structure and function (PolyPhen-2) suggests that this variant is likely to be tolerated. In summary, the available evidence is currently insufficient to determine the role of this variant in disease. Therefore, it has been classified as a Variant of Uncertain Significance.

NM_001364171.2(ODAD1):c.1221G>T (p.Gln407His)

Gene: ODAD1 (outer dynein arm docking complex subunit 1; minus strand). Cytogenetic location: 19q13.33.
Variant type: single nucleotide variant.
Coding change: c.1221G>T on transcript NM_001364171.2 (MANE Select); coding-DNA position 1221, G replaced by T.
Protein change: p.Gln407His; replaces glutamine 407 with histidine.
Molecular consequence: missense variant.
Genome position (GRCh38, 1-based): chr19:48,302,713, C>A on the plus strand (G>T on the coding strand, the complement: ODAD1 is on the minus strand). VCF-style: chr19-48302713-C-A. GRCh37 (hg19) VCF-style: chr19-48805970-C-A.
Other names: c.1110G>T, p.Gln370His (NM_144577.4); short protein forms Q407H, Q370H.
Identifiers: ClinVar variation 4726308 (VCV004726308.1).